The following is an entry in ClinVar:

NM_001195.5(BFSP1):c.956+7G>C

Gene: BFSP1 (beaded filament structural protein 1; minus strand). Cytogenetic location: 20p12.1.
Variant type: single nucleotide variant.
Coding change: c.956+7G>C on transcript NM_001195.5 (MANE Select); 7 bases into the intron after coding-DNA position 956, G replaced by C.
Molecular consequence: intron variant.
Genome position (GRCh38, 1-based): chr20:17,498,813, C>G on the plus strand (G>C on the coding strand, the complement: BFSP1 is on the minus strand). VCF-style: chr20-17498813-C-G. GRCh37 (hg19) VCF-style: chr20-17479458-C-G.
Other names: c.539+7G>C (NM_001278608.2, NM_001278606.2); c.623+7G>C (NM_001278607.2); c.581+7G>C (NM_001161705.2).
Identifiers: ClinVar variation 474092 (VCV000474092.11), dbSNP rs202146533, ClinGen allele CA9772161.

ClinVar aggregate classification (germline): Likely benign. Review status: criteria provided, single submitter (1 of 4 stars). 2 submissions from 2 submitters: Likely benign (1). 1 of the submissions does not count toward it. Last evaluated 2025-08-08.

Conditions:
Cataract 33. Also called: CATARACT 33, CORTICAL. Identifiers: Orphanet 91492, MedGen C3808107, MONDO:0012665, OMIM 611391.
BFSP1-related disorder. Also called: BFSP1-related condition.

Allele frequency attached by ClinVar (database versions not stated): 1000 Genomes Project 30x 0.00047; 1000 Genomes Project 0.00060; TOPMed 0.00089; ESP Exome Variant Server 0.00108.
gnomAD v4.1: 2,324 of 1,611,390 alleles (0.14%); highest among the groups gnomAD compares: Non-Finnish European, 0.18%; 5 homozygotes.

Submissions (2):

Labcorp Genetics (formerly Invitae), Labcorp
Classification: Likely benign for Cataract 33. Last evaluated: 2025-08-08. Review status: criteria provided, single submitter. Criteria: Invitae Variant Classification Sherloc (09022015). Collection method: clinical testing. Allele origin: germline.

PreventionGenetics, part of Exact Sciences
Classification: Likely benign for BFSP1-related condition. Last evaluated: 2019-05-06. Review status: no assertion criteria provided. Collection method: clinical testing. Allele origin: germline. Not counted in ClinVar's aggregate classification.
Comment: This variant is classified as likely benign based on ACMG/AMP sequence variant interpretation guidelines (Richards et al. 2015 PMID: 25741868, with internal and published modifications).